The following is an entry in ClinVar:

NM_006734.4(HIVEP2):c.2594C>T (p.Pro865Leu)

Gene: HIVEP2 (HIVEP zinc finger 2; minus strand). Cytogenetic location: 6q24.2.
Variant type: single nucleotide variant.
Coding change: c.2594C>T on transcript NM_006734.4 (MANE Select); coding-DNA position 2594, C replaced by T.
Protein change: p.Pro865Leu; replaces proline 865 with leucine.
Molecular consequence: missense variant.
Genome position (GRCh38, 1-based): chr6:142,772,145, G>A on the plus strand (C>T on the coding strand, the complement: HIVEP2 is on the minus strand). VCF-style: chr6-142772145-G-A. GRCh37 (hg19) VCF-style: chr6-143093282-G-A.
Other names: short protein forms P865L.
Identifiers: ClinVar variation 2580825 (VCV002580825.2), dbSNP rs777937895, ClinGen allele CA149018460.
Genomic context (GRCh38, chr6:142,772,145, plus strand): 5'-TTGTGTTGCCGAACTAGCCTGGGCTGTGTGTGATAGGACTGCTGCTGCACCTGCTGAGAT[G>A]GAGAGGGTTTCCCCCCACTTTCTGCACCATCCCCAGGTGGAGCCCACTCAGGACTCACTG-3'
Protein context (NP_006725.3, residues 855-875): DGAESGGKPS[Pro865Leu]SQQVQQQSYH

ClinVar aggregate classification (germline): Uncertain significance (1 of 4 stars; one submission).

Allele frequency attached by ClinVar (database versions not stated): TOPMed below 0.00001; gnomAD 0.00001; gnomAD exomes 0.00001.
gnomAD v4.1: 12 of 1,614,074 alleles (0.00074%); highest among the groups gnomAD compares: African/African-American, 0.0013%; no homozygotes.

Submission:

GeneDx
Classification: Uncertain significance. Last evaluated: 2024-09-26. Review status: criteria provided, single submitter. Criteria: GeneDx Variant Classification Process June 2021. Collection method: clinical testing. Allele origin: germline.
Comment: Not observed at significant frequency in large population cohorts (gnomAD); In silico analysis indicates that this missense variant does not alter protein structure/function; Has not been previously published as pathogenic or benign to our knowledge